The following is an entry in ClinVar:

NM_001197104.2(KMT2A):c.1062G>T (p.Arg354Ser)

Gene: KMT2A (lysine methyltransferase 2A; plus strand). Cytogenetic location: 11q23.3.
Variant type: single nucleotide variant.
Coding change: c.1062G>T on transcript NM_001197104.2 (MANE Select); coding-DNA position 1062, G replaced by T.
Protein change: p.Arg354Ser; replaces arginine 354 with serine.
Molecular consequence: missense variant.
Genome position (GRCh38, 1-based): chr11:118,472,221, G>T. VCF-style: chr11-118472221-G-T. GRCh37 (hg19) VCF-style: chr11-118342936-G-T.
Other names: c.1161G>T, p.Arg387Ser (NM_001412597.1); c.1062G>T, p.Arg354Ser (NM_005933.4); short protein forms R387S, R354S.
Identifiers: ClinVar variation 2789450 (VCV002789450.3), dbSNP rs1157584916, ClinGen allele CA382809041.

ClinVar aggregate classification (germline): Uncertain significance (1 of 4 stars; one submission).

Allele frequency attached by ClinVar (database versions not stated): TOPMed below 0.00001; gnomAD 0.00001; gnomAD exomes 0.00001.
gnomAD v4.1: 10 of 1,613,822 alleles (0.00062%); highest among the groups gnomAD compares: African/African-American, 0.0013%; no homozygotes.

Submission:

Labcorp Genetics (formerly Invitae), Labcorp
Classification: Uncertain significance. Last evaluated: 2023-11-27. Review status: criteria provided, single submitter. Criteria: Invitae Variant Classification Sherloc (09022015). Collection method: clinical testing. Allele origin: germline.
Comment: This sequence change replaces arginine, which is basic and polar, with serine, which is neutral and polar, at codon 354 of the KMT2A protein (p.Arg354Ser). This variant is not present in population databases (gnomAD no frequency). This variant has not been reported in the literature in individuals affected with KMT2A-related conditions. Advanced modeling of protein sequence and biophysical properties (such as structural, functional, and spatial information, amino acid conservation, physicochemical variation, residue mobility, and thermodynamic stability) has been performed at Invitae for this missense variant, however the output from this modeling did not meet the statistical confidence thresholds required to predict the impact of this variant on KMT2A protein function. In summary, the available evidence is currently insufficient to determine the role of this variant in disease. Therefore, it has been classified as a Variant of Uncertain Significance.